The following is an entry in ClinVar:

NM_002076.4(GNS):c.876-2A>G

Gene: GNS (glucosamine (N-acetyl)-6-sulfatase; minus strand). Cytogenetic location: 12q14.3.
Variant type: single nucleotide variant.
Coding change: c.876-2A>G on transcript NM_002076.4 (MANE Select); the canonical splice acceptor site of the intron before coding-DNA position 876, A replaced by G.
Molecular consequence: splice acceptor variant.
Genome position (GRCh38, 1-based): chr12:64,739,501, T>C on the plus strand (A>G on the coding strand, the complement: GNS is on the minus strand). VCF-style: chr12-64739501-T-C. GRCh37 (hg19) VCF-style: chr12-65133281-T-C.
Identifiers: ClinVar variation 2735909 (VCV002735909.4), dbSNP rs2539519932, ClinGen allele CA385608262.

ClinVar aggregate classification (germline): Pathogenic. Review status: criteria provided, multiple submitters, no conflicts (2 of 4 stars). 2 submissions from 2 submitters: Pathogenic (2). Last evaluated 2024-01-24.

Conditions:
Mucopolysaccharidosis, MPS-III-D (MPS3D). Also called: N-ACETYLGLUCOSAMINE-6-SULFATASE DEFICIENCY; SANFILIPPO SYNDROME D; MPS III D; Mucopoly-saccharidosis type 3D; N-acetylglucosamine-6-sulfate sulfatase deficiency; MPS 3D. Identifiers: Orphanet 581, Orphanet 79272, MedGen C0086650, MONDO:0009658, OMIM 252940.

Allele frequency attached by ClinVar (database versions not stated): gnomAD 0.00001.

Submissions (2):

Labcorp Genetics (formerly Invitae), Labcorp
Classification: Pathogenic for Mucopolysaccharidosis, MPS-III-D. Last evaluated: 2024-01-24. Review status: criteria provided, single submitter. Criteria: Invitae Variant Classification Sherloc (09022015). Collection method: clinical testing. Allele origin: germline.
Comment: This sequence change affects an acceptor splice site in intron 7 of the GNS gene. It is expected to disrupt RNA splicing. Variants that disrupt the donor or acceptor splice site typically lead to a loss of protein function (PMID: 16199547), and loss-of-function variants in GNS are known to be pathogenic (PMID: 20232353). This variant is not present in population databases (gnomAD no frequency). Disruption of this splice site has been observed in individual(s) with Mucopolysaccharidosis type IIID (PMID: 17998446, 20232353). Algorithms developed to predict the effect of sequence changes on RNA splicing suggest that this variant may disrupt the consensus splice site. For these reasons, this variant has been classified as Pathogenic.

GeneDx
Classification: Pathogenic. Last evaluated: 2023-05-16. Review status: criteria provided, single submitter. Criteria: GeneDx Variant Classification Process June 2021. Collection method: clinical testing. Allele origin: germline. Affected: yes.
Comment: Canonical splice site variant predicted to result in a null allele in a gene for which loss of function is a known mechanism of disease; Not observed at significant frequency in large population cohorts (gnomAD); This variant is associated with the following publications: (PMID: 25525159, 18392742, 33578874, 19650410, 17998446, 20232353)

Literature cited by the submitters: PubMed 16199547 (cited by Labcorp Genetics (formerly Invitae), Labcorp); PubMed 20232353 (cited by Labcorp Genetics (formerly Invitae), Labcorp); PubMed 17998446 (cited by Labcorp Genetics (formerly Invitae), Labcorp).